The following is an entry in ClinVar:

NM_007294.4(BRCA1):c.1336A>G (p.Arg446Gly)

Gene: BRCA1 (BRCA1 DNA repair associated; minus strand). Cytogenetic location: 17q21.31.
Variant type: single nucleotide variant.
Coding change: c.1336A>G on transcript NM_007294.4 (MANE Select); coding-DNA position 1336, A replaced by G.
Protein change: p.Arg446Gly; replaces arginine 446 with glycine.
Molecular consequence: missense variant. On other transcripts: intron variant (137).
Genome position (GRCh38, 1-based): chr17:43,094,195, T>C on the plus strand (A>G on the coding strand, the complement: BRCA1 is on the minus strand). VCF-style: chr17-43094195-T-C. GRCh37 (hg19) VCF-style: chr17-41246212-T-C.
Other names: c.1123A>G, p.Arg375Gly (NM_001407571.1, NM_001407898.1, NM_001407899.1 and 9 more transcripts); c.1336A>G, p.Arg446Gly (NM_001407581.1, NM_001407582.1, NM_001407583.1 and 30 more transcripts); c.1333A>G, p.Arg445Gly (NM_001407587.1, NM_001407590.1, NM_001407591.1 and 22 more transcripts); c.1327A>G, p.Arg443Gly (NM_001407647.1, NM_001407646.1); c.1213A>G, p.Arg405Gly (NM_001407648.1, NM_001407668.1, NM_001407669.1 and 19 more transcripts); c.1210A>G, p.Arg404Gly (NM_001407649.1, NM_001407670.1, NM_001407671.1 and 11 more transcripts); c.1258A>G, p.Arg420Gly (NM_001407653.1, NM_001407654.1, NM_001407655.1 and 4 more transcripts); c.1195A>G, p.Arg399Gly (NM_001407692.1, NM_001407694.1, NM_001407695.1 and 29 more transcripts); and 40 more; short protein forms R446G, R399G, R318G, R357G, R375G, R398G, R443G, R278G.
Identifiers: ClinVar variation 141392 (VCV000141392.27), dbSNP rs587781715, ClinGen allele CA000873.

ClinVar aggregate classification (germline): Conflicting classifications of pathogenicity. Review status: criteria provided, conflicting classifications (1 of 4 stars). 8 submissions from 8 submitters: Uncertain significance (6); Likely benign (2). Last evaluated 2025-12-08.

Conditions:
Hereditary cancer-predisposing syndrome. Also called: Tumor predisposition; Hereditary neoplastic syndrome; Hereditary Cancer Syndrome; Neoplastic Syndromes, Hereditary. Identifiers: Orphanet 140162, MedGen C0027672, MeSH D009386, MONDO:0015356.
Hereditary breast ovarian cancer syndrome. Also called: Hereditary breast and/or ovarian cancer syndrome; Breast and ovarian cancer; Hereditary breast and ovarian cancer syndrome; Hereditary breast and ovarian cancer; Hereditary breast and ovarian cancer syndrome (HBOC); BRCA1- and BRCA2-Associated Hereditary Breast and Ovarian Cancer. Identifiers: Orphanet 145, MedGen C0677776, MeSH D061325, MONDO:0003582. Disease mechanism: loss of function.
Breast-ovarian cancer, familial, susceptibility to, 1 (BROVCA1). Also called: BRCA1 Hereditary Breast and Ovarian Cancer; OVARIAN CANCER, SUSCEPTIBILITY TO. Identifiers: Orphanet 145, MedGen C2676676, MONDO:0011450, OMIM 604370. Disease mechanism: loss of function.

Allele frequency attached by ClinVar (database versions not stated): gnomAD exomes below 0.00001; gnomAD 0.00001; TOPMed 0.00001.

Submissions (8):

Ambry Genetics
Classification: Uncertain significance for Hereditary cancer-predisposing syndrome. Last evaluated: 2025-12-08. Review status: criteria provided, single submitter. Criteria: Ambry Variant Classification Scheme 2023. Collection method: clinical testing. Allele origin: germline.
Comment: The p.R446G variant (also known as c.1336A>G), located in coding exon 9 of the BRCA1 gene, results from an A to G substitution at nucleotide position 1336. The arginine at codon 446 is replaced by glycine, an amino acid with dissimilar properties. This amino acid position is not well conserved in available vertebrate species. In addition, the in silico prediction for this alteration is inconclusive. Since supporting evidence is limited at this time, the clinical significance of this alteration remains unclear.

Labcorp Genetics (formerly Invitae), Labcorp
Classification: Uncertain significance for Hereditary breast ovarian cancer syndrome. Last evaluated: 2025-10-06. Review status: criteria provided, single submitter. Criteria: Invitae Variant Classification Sherloc (09022015). Collection method: clinical testing. Allele origin: germline.
Comment: This sequence change replaces arginine, which is basic and polar, with glycine, which is neutral and non-polar, at codon 446 of the BRCA1 protein (p.Arg446Gly). This variant is present in population databases (rs587781715, gnomAD 0.008%). This variant has not been reported in the literature in individuals affected with BRCA1-related conditions. ClinVar contains an entry for this variant (Variation ID: 141392). Invitae Evidence Modeling of protein sequence and biophysical properties (such as structural, functional, and spatial information, amino acid conservation, physicochemical variation, residue mobility, and thermodynamic stability) indicates that this missense variant is not expected to disrupt BRCA1 protein function with a negative predictive value of 80%. In summary, the available evidence is currently insufficient to determine the role of this variant in disease. Therefore, it has been classified as a Variant of Uncertain Significance.

Myriad Genetics, Inc.
Classification: Likely benign for Breast-ovarian cancer, familial, susceptibility to, 1. Last evaluated: 2023-09-05. Review status: criteria provided, single submitter. Criteria: Myriad Autosomal Dominant, Autosomal Recessive and X-Linked Classification Criteria (2023). Collection method: clinical testing. Allele origin: unknown.
Comment: This variant is considered likely benign. This variant is strongly associated with less severe personal and family histories of cancer, typical for individuals without pathogenic variants in this gene [PMID: 25085752].

University of Washington Department of Laboratory Medicine, University of Washington
Classification: Likely benign for Hereditary cancer-predisposing syndrome. Last evaluated: 2023-03-23. Review status: criteria provided, single submitter. Criteria: Dines et al. (Genet Med. 2020). Collection method: curation. Allele origin: germline.
Comment: Missense variant in a coldspot region where missense variants are very unlikely to be pathogenic (PMID:31911673).

BRCA1 coldspot (exon 11 using historical exon numbering). Reclassification based on statistical prior probability

GeneDx
Classification: Uncertain significance. Last evaluated: 2022-05-26. Review status: criteria provided, single submitter. Criteria: GeneDx Variant Classification Process June 2021. Collection method: clinical testing. Allele origin: germline. Affected: yes.
Comment: Not observed at significant frequency in large population cohorts (gnomAD); In silico analysis supports that this missense variant has a deleterious effect on protein structure/function; Has not been previously published as pathogenic or benign to our knowledge; Also known as 1455A>G; This variant is associated with the following publications: (PMID: 10426999, 20215511, 15343273, 9788437, 9926942, 9582019)

Color Diagnostics, LLC DBA Color Health
Classification: Uncertain significance for Hereditary cancer-predisposing syndrome. Last evaluated: 2020-08-24. Review status: criteria provided, single submitter. Criteria: ACMG Guidelines, 2015. Collection method: clinical testing. Allele origin: germline.
Comment: This missense variant replaces arginine with glycine at codon 446 of the BRCA1 protein. Computational prediction is inconclusive regarding the impact of this variant on protein structure and function (internally defined REVEL score threshold 0.5 < inconclusive < 0.7, PMID: 27666373). To our knowledge, functional studies have not been reported for this variant. This variant has not been reported in individuals affected with hereditary cancer in the literature. This variant has been identified in 2/282348 chromosomes in the general population by the Genome Aggregation Database (gnomAD). The available evidence is insufficient to determine the role of this variant in disease conclusively. Therefore, this variant is classified as a Variant of Uncertain Significance.

Quest Diagnostics Nichols Institute San Juan Capistrano
Classification: Uncertain significance. Last evaluated: 2020-04-02. Review status: criteria provided, single submitter. Criteria: Quest Diagnostics criteria. Collection method: clinical testing. Allele origin: unknown.

PreventionGenetics, part of Exact Sciences
Classification: Uncertain significance. Last evaluated: 2017-01-10. Review status: criteria provided, single submitter. Criteria: ACMG Guidelines, 2015. Collection method: clinical testing. Allele origin: germline.

Literature cited by the submitters: PubMed 25085752 (cited by Myriad Genetics, Inc.).